The following is an entry in ClinVar:

NC_000002.11:g.(?_215593400)_(215617289_?)dup

Gene: BARD1 (BRCA1 associated RING domain 1; minus strand). Cytogenetic location: 2q35.
Variant type: Duplication.
Identifiers: ClinVar variation 1003078 (VCV001003078.3).

ClinVar aggregate classification (germline): Uncertain significance (1 of 4 stars; one submission).

Conditions:
Familial cancer of breast. Also called: Hereditary breast cancer; hereditary breast carcinoma; BREAST CANCER, FAMILIAL. Identifiers: Orphanet 227535, MedGen C0346153, MONDO:0016419, OMIM 114480. Disease mechanism: loss of function.

Submission:

Labcorp Genetics (formerly Invitae), Labcorp
Classification: Uncertain significance for Familial cancer of breast. Last evaluated: 2021-12-25. Review status: criteria provided, single submitter. Criteria: Invitae Variant Classification Sherloc (09022015). Collection method: clinical testing. Allele origin: germline.
Comment: This variant results in a copy number gain of the genomic region encompassing exon(s) 7-11 of the BARD1 gene. This region includes the termination codon of the gene. This copy number gain extends beyond the assayed region for this gene and therefore may encompass additional genes. As the precise location of this event is unknown, it may be in tandem or it may be located elsewhere in the genome. This variant has not been reported in the literature in individuals affected with BARD1-related conditions. Experimental studies and prediction algorithms are not available or were not evaluated, and the functional significance of this variant is currently unknown. In summary, the available evidence is currently insufficient to determine the role of this variant in disease. Therefore, it has been classified as a Variant of Uncertain Significance.